The following is an entry in ClinVar:

ClinVar aggregate classification (germline): Likely benign (1 of 4 stars; one submission).

Submission:

CeGaT Center for Human Genetics Tuebingen
Classification: Likely benign. Last evaluated: 2024-07-01. Review status: criteria provided, single submitter. Criteria: CeGaT Center For Human Genetics Tuebingen Variant Classification Criteria Version 2. Collection method: clinical testing. Allele origin: germline. Affected: yes. Observed: 1 variant allele.
Comment: KIF21B: BP4, BP7

NM_001252102.2(KIF21B):c.216C>T (p.Ile72=)

Gene: KIF21B (kinesin family member 21B; minus strand). Cytogenetic location: 1q32.1.
Variant type: single nucleotide variant.
Coding change: c.216C>T on transcript NM_001252102.2 (MANE Select); coding-DNA position 216, C replaced by T.
Protein change: p.Ile72=; no amino-acid change (isoleucine 72 retained).
Molecular consequence: synonymous variant.
Genome position (GRCh38, 1-based): chr1:201,009,314, G>A on the plus strand (C>T on the coding strand, the complement: KIF21B is on the minus strand). VCF-style: chr1-201009314-G-A. GRCh37 (hg19) VCF-style: chr1-200978442-G-A.
Other names: c.216C>T, p.Ile72= (NM_001252100.2, NM_001252103.2, NM_017596.4).
Identifiers: ClinVar variation 3257071 (VCV003257071.17).
Genomic context (GRCh38, chr1:201,009,314, plus strand): 5'-AAGATGGCTTACCTGCCCATAGGCCAGCACCGTGGCATTATAGCCCTCGAAGCAGCCCTC[G>A]ATGAGCTTGCTCACACAGGTGGAATAGATCTGTTCTTGCCAGGTGTCCAGGTCGAAGACA-3'
Protein context (NP_001239031.1, residues 62-82): QIYSTCVSKL[Ile72=]EGCFEGYNAT